The following is an entry in ClinVar:

ClinVar aggregate classification (germline): Benign. Review status: criteria provided, multiple submitters, no conflicts (2 of 4 stars). 3 submissions from 2 submitters: Benign (3). Last evaluated 2018-01-13.

Conditions:
Neuroblastoma, susceptibility to, 2. Identifiers: Orphanet 635, MedGen C2751682, MONDO:0700041, OMIM 613013.
Congenital central hypoventilation. Also called: Congenital Central Hypoventilation Syndrome. Identifiers: Orphanet 661, Orphanet 99803, MedGen C1275808, MONDO:0800031. Disease mechanism: gain of function.

Allele frequency attached by ClinVar (database versions not stated): TOPMed 0.04095; gnomAD 0.04283 and 0.04540; gnomAD exomes 0.05066; 1000 Genomes Project 0.05232; 1000 Genomes Project 30x 0.05356.
gnomAD v4.1: 11,021 of 232,450 alleles (4.7%); highest among the groups gnomAD compares: South Asian, 12%; 316 homozygotes.

Submissions (3):

Illumina Laboratory Services, Illumina
Classification: Benign for Neuroblastoma, susceptibility to, 2. Last evaluated: 2018-01-13. Review status: criteria provided, single submitter. Criteria: ICSL Variant Classification Criteria 13 December 2019. Collection method: clinical testing. Allele origin: germline.
Comment: This variant was observed in the ICSL laboratory as part of a predisposition screen in an ostensibly healthy population. It had not been previously curated by ICSL or reported in the Human Gene Mutation Database (HGMD: prior to June 1st, 2018), and was therefore a candidate for classification through an automated scoring system. Utilizing variant allele frequency, disease prevalence and penetrance estimates, and inheritance mode, an automated score was calculated to assess if this variant is too frequent to cause the disease. Based on the score and internal cut-off values, a variant classified as benign is not then subjected to further curation. The score for this variant resulted in a classification of benign for this disease.

Illumina Laboratory Services, Illumina
Classification: Benign for Central hypoventilation syndrome, congenital, 1, with or without Hirschsprung disease. Last evaluated: 2018-01-13. Review status: criteria provided, single submitter. Criteria: ICSL Variant Classification Criteria 13 December 2019. Collection method: clinical testing. Allele origin: germline.
Comment: the same text as in the submission from Illumina Laboratory Services, Illumina above.

Breakthrough Genomics
Classification: Benign. Review status: criteria provided, single submitter. Criteria: ACMG Guidelines, 2015. Collection method: not provided. Allele origin: germline. Inheritance: Autosomal dominant inheritance. Affected: yes.

NM_003924.4(PHOX2B):c.*1347A>G

Gene: PHOX2B (paired like homeobox 2B; minus strand). Cytogenetic location: 4p13.
Variant type: single nucleotide variant.
Coding change: c.*1347A>G on transcript NM_003924.4 (MANE Select); 1347 bases downstream of the stop codon, A replaced by G.
Molecular consequence: 3 prime UTR variant.
Genome position (GRCh38, 1-based): chr4:41,744,460, T>C on the plus strand (A>G on the coding strand, the complement: PHOX2B is on the minus strand). VCF-style: chr4-41744460-T-C. GRCh37 (hg19) VCF-style: chr4-41746477-T-C.
Identifiers: ClinVar variation 348788 (VCV000348788.6), dbSNP rs62412180, ClinGen allele CA10618741.